The following is an entry in ClinVar:

NM_000548.5(TSC2):c.1566C>A (p.His522Gln)

Gene: TSC2 (TSC complex subunit 2; plus strand). Cytogenetic location: 16p13.3.
Variant type: single nucleotide variant.
Coding change: c.1566C>A on transcript NM_000548.5 (MANE Select); coding-DNA position 1566, C replaced by A.
Protein change: p.His522Gln; replaces histidine 522 with glutamine.
Molecular consequence: missense variant. On other transcripts: 5 prime UTR variant (1), non-coding transcript variant (5).
Genome position (GRCh38, 1-based): chr16:2,064,394, C>A. VCF-style: chr16-2064394-C-A. GRCh37 (hg19) VCF-style: chr16-2114395-C-A.
Other names: c.1566C>A, p.His522Gln (NM_001077183.3, NM_001114382.3, NM_001363528.2 and 6 more transcripts); c.1455C>A, p.His485Gln (NM_001318827.2, NM_001406678.1, NM_001406670.1); c.1419C>A, p.His473Gln (NM_001318829.2, NM_001406675.1, NM_001406676.1 and 1 more transcripts); c.966C>A, p.His322Gln (NM_001318831.2, NM_001406680.1, NM_001406682.1 and 6 more transcripts); c.1599C>A, p.His533Gln (NM_001318832.2); c.1509C>A, p.His503Gln (NM_001406677.1); c.1104C>A, p.His368Gln (NM_001406681.1); c.222C>A, p.His74Gln (NM_001406689.1, NM_001406690.1, NM_001406691.1 and 6 more transcripts); and 3 more; short protein forms H368Q, H552Q, H74Q, H473Q, H503Q, H518Q, H533Q, H485Q.
Identifiers: ClinVar variation 2852110 (VCV002852110.4), dbSNP rs876659982, ClinGen allele CA394326585.

ClinVar aggregate classification (germline): Uncertain significance. Review status: criteria provided, multiple submitters, no conflicts (2 of 4 stars). 2 submissions from 2 submitters: Uncertain significance (2). Last evaluated 2026-04-20.

Conditions:
Hereditary cancer-predisposing syndrome. Also called: Hereditary neoplastic syndrome; Neoplastic Syndromes, Hereditary; Tumor predisposition; Hereditary Cancer Syndrome. Identifiers: Orphanet 140162, MedGen C0027672, MeSH D009386, MONDO:0015356.
Tuberous sclerosis 2 (TSC2). Identifiers: Orphanet 805, MedGen C1860707, MONDO:0013199, OMIM 613254.

gnomAD v4.1: 1 of 1,613,756 alleles (0.000062%); highest among the groups gnomAD compares: Non-Finnish European, 0.000085%; no homozygotes.

Submissions (2):

Ambry Genetics
Classification: Uncertain significance for Hereditary cancer-predisposing syndrome. Last evaluated: 2026-04-20. Review status: criteria provided, single submitter. Criteria: Ambry Variant Classification Scheme 2023. Collection method: clinical testing. Allele origin: germline.
Comment: The p.H522Q variant (also known as c.1566C>A), located in coding exon 14 of the TSC2 gene, results from a C to A substitution at nucleotide position 1566. The histidine at codon 522 is replaced by glutamine, an amino acid with highly similar properties. This amino acid position is conserved. In addition, the in silico prediction for this alteration is inconclusive. Based on the available evidence, the clinical significance of this variant remains unclear.

Labcorp Genetics (formerly Invitae), Labcorp
Classification: Uncertain significance for Tuberous sclerosis 2. Last evaluated: 2024-12-30. Review status: criteria provided, single submitter. Criteria: Invitae Variant Classification Sherloc (09022015). Collection method: clinical testing. Allele origin: germline.
Comment: This sequence change replaces histidine, which is basic and polar, with glutamine, which is neutral and polar, at codon 522 of the TSC2 protein (p.His522Gln). This variant is not present in population databases (gnomAD no frequency). This variant has not been reported in the literature in individuals affected with TSC2-related conditions. ClinVar contains an entry for this variant (Variation ID: 2852110). Invitae Evidence Modeling of protein sequence and biophysical properties (such as structural, functional, and spatial information, amino acid conservation, physicochemical variation, residue mobility, and thermodynamic stability) indicates that this missense variant is not expected to disrupt TSC2 protein function with a negative predictive value of 95%. In summary, the available evidence is currently insufficient to determine the role of this variant in disease. Therefore, it has been classified as a Variant of Uncertain Significance.